The following is an entry in ClinVar:

NM_020365.5(EIF2B3):c.864C>G (p.Asp288Glu)

Gene: EIF2B3 (eukaryotic translation initiation factor 2B subunit gamma; minus strand). Cytogenetic location: 1p34.1.
Variant type: single nucleotide variant.
Coding change: c.864C>G on transcript NM_020365.5 (MANE Select); coding-DNA position 864, C replaced by G.
Protein change: p.Asp288Glu; replaces aspartic acid 288 with glutamic acid.
Molecular consequence: missense variant.
Genome position (GRCh38, 1-based): chr1:44,879,929, G>C on the plus strand (C>G on the coding strand, the complement: EIF2B3 is on the minus strand). VCF-style: chr1-44879929-G-C. GRCh37 (hg19) VCF-style: chr1-45345601-G-C.
Other names: c.864C>G, p.Asp288Glu (NM_001166588.3, NM_001261418.2); short protein forms D288E.
Identifiers: ClinVar variation 877072 (VCV000877072.12), dbSNP rs3738247, ClinGen allele CA823899.
Genomic context (GRCh38, chr1:44,879,929, plus strand): 5'-CCCCTCTTTCATGATGTGGACATAGCAGCGCACCTGTGATCTGGACAAGTCTTCCCACCT[G>C]TCTCCTCGACAGGCATTCCAGCAGGCATCATAGGGAGCCAGGTTCAGTGTATTGGCTTCT-3'
Protein context (NP_065098.1, residues 278-298): YDACWNACRG[Asp288Glu]RWEDLSRSQV

ClinVar aggregate classification (germline): Conflicting classifications of pathogenicity. Review status: criteria provided, conflicting classifications (1 of 4 stars). 3 submissions from 3 submitters: Uncertain significance (1); Likely benign (1). 1 of the submissions does not count toward it. Last evaluated 2026-01-25.

Conditions:
EIF2B3-related disorder. Also called: EIF2B3-related condition.
Vanishing white matter disease. Also called: CACH syndrome; Childhood ataxia with diffuse central nervous system hypomyelination; Leukoencephalopathy with vanishing white matter; CACH/VWM syndrome; Cree leukoencehalopathy. Identifiers: Orphanet 135, Orphanet 99853, MedGen C1858991, MONDO:0800448.

Allele frequency attached by ClinVar (database versions not stated): TOPMed 0.00002; gnomAD 0.00003 and 0.00005; gnomAD exomes 0.00011 and 0.00016; ExAC 0.00015; 1000 Genomes Project 30x 0.00016; 1000 Genomes Project 0.00020.
gnomAD v4.1: 234 of 1,614,142 alleles (0.014%); highest among the groups gnomAD compares: East Asian, 0.52%; 2 homozygotes.

Submissions (3):

Labcorp Genetics (formerly Invitae), Labcorp
Classification: Likely benign. Last evaluated: 2026-01-25. Review status: criteria provided, single submitter. Criteria: Invitae Variant Classification Sherloc (09022015). Collection method: clinical testing. Allele origin: germline.

Illumina Laboratory Services, Illumina
Classification: Uncertain significance for Leukoencephalopathy with vanishing white matter 1. Last evaluated: 2018-01-13. Review status: criteria provided, single submitter. Criteria: ICSL Variant Classification Criteria 13 December 2019. Collection method: clinical testing. Allele origin: germline.

PreventionGenetics, part of Exact Sciences
Classification: Likely benign for EIF2B3-related condition. Last evaluated: 2024-05-28. Review status: no assertion criteria provided. Collection method: clinical testing. Allele origin: germline. Not counted in ClinVar's aggregate classification.
Comment: This variant is classified as likely benign based on ACMG/AMP sequence variant interpretation guidelines (Richards et al. 2015 PMID: 25741868, with internal and published modifications).